The following is an entry in ClinVar:

ClinVar aggregate classification (germline): Uncertain significance (1 of 4 stars; one submission).

gnomAD v4.1: 10 of 1,614,026 alleles (0.00062%); highest among the groups gnomAD compares: Non-Finnish European, 0.00085%; no homozygotes.

Submission:

Women's Health and Genetics/Laboratory Corporation of America, LabCorp
Classification: Uncertain significance. Last evaluated: 2025-11-20. Review status: criteria provided, single submitter. Criteria: LabCorp Variant Classification Summary - May 2015. Collection method: clinical testing. Allele origin: germline.
Comment: Variant summary: ADCY5 c.1204G>A (p.Val402Ile) results in a conservative amino acid change in the encoded protein sequence. Algorithms developed to predict the effect of missense changes on protein structure and function are either unavailable or do not agree on the potential impact of this missense change. The variant was absent in 251278 control chromosomes. The available data on variant occurrences in the general population are insufficient to allow any conclusion about variant significance. To our knowledge, no occurrence of c.1204G>A in individuals affected with ADCY5-related conditions and no experimental evidence demonstrating its impact on protein function have been reported. No submitters have cited clinical-significance assessments for this variant to ClinVar. Based on the evidence outlined above, the variant was classified as uncertain significance.

NM_183357.3(ADCY5):c.1204G>A (p.Val402Ile)

Gene: ADCY5 (adenylate cyclase 5; minus strand). Cytogenetic location: 3q21.1.
Variant type: single nucleotide variant.
Coding change: c.1204G>A on transcript NM_183357.3 (MANE Select); coding-DNA position 1204, G replaced by A.
Protein change: p.Val402Ile; replaces valine 402 with isoleucine.
Molecular consequence: missense variant.
Genome position (GRCh38, 1-based): chr3:123,352,512, C>T on the plus strand (G>A on the coding strand, the complement: ADCY5 is on the minus strand). VCF-style: chr3-123352512-C-T. GRCh37 (hg19) VCF-style: chr3-123071359-C-T.
Other names: c.154G>A, p.Val52Ile (NM_001199642.1); c.1204G>A, p.Val402Ile (NM_001378259.1); short protein forms V402I, V52I.
Identifiers: ClinVar variation 4537292 (VCV004537292.1).